The following is an entry in ClinVar:

NM_001082971.2(DDC):c.582A>G (p.Ser194=)

Gene: DDC (dopa decarboxylase; minus strand). Cytogenetic location: 7p12.1.
Variant type: single nucleotide variant.
Coding change: c.582A>G on transcript NM_001082971.2 (MANE Select); coding-DNA position 582, A replaced by G.
Protein change: p.Ser194=; no amino-acid change (serine 194 retained).
Molecular consequence: synonymous variant. On other transcripts: intron variant (2).
Genome position (GRCh38, 1-based): chr7:50,528,269, T>C on the plus strand (A>G on the coding strand, the complement: DDC is on the minus strand). VCF-style: chr7-50528269-T-C. GRCh37 (hg19) VCF-style: chr7-50595967-T-C.
Other names: p.Ser194=; c.582A>G, p.Ser194= (NM_000790.4, NM_001242890.2); c.468A>G, p.Ser156= (NM_001242886.2); c.348A>G, p.Ser116= (NM_001242888.2); c.435+9591A>G (NM_001242889.2); c.570+939A>G (NM_001242887.2).
Identifiers: ClinVar variation 4683267 (VCV004683267.1).

ClinVar aggregate classification (germline): Likely benign (1 of 4 stars; one submission).

gnomAD v4.1: 1 of 1,614,088 alleles (0.000062%); highest among the groups gnomAD compares: Non-Finnish European, 0.000085%; no homozygotes.

Submission:

Mayo Clinic Laboratories, Mayo Clinic
Classification: Likely benign. Last evaluated: 2025-08-13. Review status: criteria provided, single submitter. Criteria: ACMG Guidelines, 2015. Collection method: clinical testing. Allele origin: germline. Observed: 1 variant allele.
Comment: BP4, BP7